The following is an entry in ClinVar:

ClinVar aggregate classification (germline): Benign/Likely benign. Review status: criteria provided, multiple submitters, no conflicts (2 of 4 stars). 4 submissions from 4 submitters: Benign (1); Likely benign (3). Last evaluated 2026-07-22.

Conditions:
HOXB13-related disorder. Also called: HOXB13-related disorders; HOXB13-related condition.
Prostate cancer, hereditary, 9 (HPC9). Identifiers: Orphanet 1331, MedGen C1970250, MONDO:0012597, OMIM 610997.
Hereditary cancer-predisposing syndrome. Also called: Neoplastic Syndromes, Hereditary; Hereditary Cancer Syndrome; Tumor predisposition; Hereditary neoplastic syndrome. Identifiers: Orphanet 140162, MedGen C0027672, MeSH D009386, MONDO:0015356.

Allele frequency attached by ClinVar (database versions not stated): ExAC 0.00001.
gnomAD v4.1: 5 of 1,614,148 alleles (0.00031%); highest among the groups gnomAD compares: South Asian, 0.0044%; no homozygotes.

Submissions (4):

PreventionGenetics, part of Exact Sciences
Classification: Likely benign for HOXB13-related condition. Last evaluated: 2026-07-22. Review status: criteria provided, single submitter. Criteria: ACMG Guidelines, 2015. Collection method: clinical testing. Allele origin: germline.
Comment: This variant is classified as likely benign based on ACMG/AMP sequence variant interpretation guidelines (Richards et al. 2015 PMID: 25741868, with internal and published modifications).

Labcorp Genetics (formerly Invitae), Labcorp
Classification: Likely benign. Last evaluated: 2025-07-31. Review status: criteria provided, single submitter. Criteria: Invitae Variant Classification Sherloc (09022015). Collection method: clinical testing. Allele origin: germline.

Myriad Genetics, Inc.
Classification: Benign for Prostate cancer, hereditary, 9. Last evaluated: 2024-10-29. Review status: criteria provided, single submitter. Criteria: Myriad Autosomal Dominant, Autosomal Recessive and X-Linked Classification Criteria (2023). Collection method: clinical testing. Allele origin: unknown.
Comment: This variant is considered benign. This variant is a silent/synonymous amino acid change and it is not expected to impact splicing.

Ambry Genetics
Classification: Likely benign for Hereditary cancer-predisposing syndrome. Last evaluated: 2017-07-19. Review status: criteria provided, single submitter. Criteria: Ambry Variant Classification Scheme 2023. Collection method: clinical testing. Allele origin: germline.

NM_006361.6(HOXB13):c.324G>A (p.Ala108=)

Gene: HOXB13 (homeobox B13; minus strand). Cytogenetic location: 17q21.32.
Variant type: single nucleotide variant.
Coding change: c.324G>A on transcript NM_006361.6 (MANE Select); coding-DNA position 324, G replaced by A.
Protein change: p.Ala108=; no amino-acid change (alanine 108 retained).
Molecular consequence: synonymous variant.
Genome position (GRCh38, 1-based): chr17:48,728,270, C>T on the plus strand (G>A on the coding strand, the complement: HOXB13 is on the minus strand). VCF-style: chr17-48728270-C-T. GRCh37 (hg19) VCF-style: chr17-46805632-C-T.
Identifiers: ClinVar variation 480881 (VCV000480881.16), dbSNP rs768311961, ClinGen allele CA8634013.